The following is an entry in ClinVar:

ClinVar aggregate classification (germline): Uncertain significance (1 of 4 stars; one submission).

Conditions:
Pitt-Hopkins-like syndrome 2 (PTHSL2). Identifiers: Orphanet 221150, Orphanet 600663, MedGen C3280479, MONDO:0013690, OMIM 614325.

Allele frequency attached by ClinVar (database versions not stated): gnomAD exomes below 0.00001.
gnomAD v4.1: 1 of 1,614,040 alleles (0.000062%); highest among the groups gnomAD compares: Non-Finnish European, 0.000085%; no homozygotes.

Submission:

Labcorp Genetics (formerly Invitae), Labcorp
Classification: Uncertain significance for Pitt-Hopkins-like syndrome 2. Last evaluated: 2022-10-23. Review status: criteria provided, single submitter. Criteria: Invitae Variant Classification Sherloc (09022015). Collection method: clinical testing. Allele origin: germline.
Comment: In summary, the available evidence is currently insufficient to determine the role of this variant in disease. Therefore, it has been classified as a Variant of Uncertain Significance. Advanced modeling of protein sequence and biophysical properties (such as structural, functional, and spatial information, amino acid conservation, physicochemical variation, residue mobility, and thermodynamic stability) performed at Invitae indicates that this missense variant is not expected to disrupt NRXN1 protein function. This variant has not been reported in the literature in individuals affected with NRXN1-related conditions. This variant is not present in population databases (gnomAD no frequency). This sequence change replaces threonine, which is neutral and polar, with alanine, which is neutral and non-polar, at codon 1395 of the NRXN1 protein (p.Thr1395Ala).

NM_001330078.2(NRXN1):c.4063A>G (p.Thr1355Ala)

Gene: NRXN1 (neurexin 1; minus strand). Cytogenetic location: 2p16.3.
Variant type: single nucleotide variant.
Coding change: c.4063A>G on transcript NM_001330078.2 (MANE Select); coding-DNA position 4063, A replaced by G.
Protein change: p.Thr1355Ala; replaces threonine 1355 with alanine.
Molecular consequence: missense variant.
Genome position (GRCh38, 1-based): chr2:50,053,336, T>C on the plus strand (A>G on the coding strand, the complement: NRXN1 is on the minus strand). VCF-style: chr2-50053336-T-C. GRCh37 (hg19) VCF-style: chr2-50280474-T-C.
Other names: c.4183A>G, p.Thr1395Ala (NM_001135659.3); c.4039A>G, p.Thr1347Ala (NM_001330077.2, NM_001330082.2); c.3907A>G, p.Thr1303Ala (NM_001330083.2); c.3997A>G, p.Thr1333Ala (NM_001330084.2); c.4036A>G, p.Thr1346Ala (NM_001330085.2); c.4063A>G, p.Thr1355Ala (NM_001330086.2); c.3862A>G, p.Thr1288Ala (NM_001330087.2, NM_001330096.2); c.3892A>G, p.Thr1298Ala (NM_001330088.2); and 6 more; short protein forms T1288A, T1346A, T1354A, T1395A, T290A, T1308A, T1347A, T320A.
Identifiers: ClinVar variation 1997444 (VCV001997444.4), dbSNP rs1573627854, ClinGen allele CA346819466.